The following is an entry in ClinVar:

ClinVar aggregate classification (germline): Pathogenic. Review status: reviewed by expert panel (3 of 4 stars). 10 submissions from 10 submitters: Pathogenic (1). 9 of the submissions do not count toward it. Last evaluated 2016-09-08.

Conditions:
Hereditary cancer-predisposing syndrome. Also called: Tumor predisposition; Neoplastic Syndromes, Hereditary; Hereditary Cancer Syndrome; Hereditary neoplastic syndrome. Identifiers: Orphanet 140162, MedGen C0027672, MeSH D009386, MONDO:0015356.
Hereditary breast ovarian cancer syndrome. Also called: Hereditary breast and ovarian cancer syndrome (HBOC); Hereditary breast and ovarian cancer syndrome; Hereditary breast and ovarian cancer; Hereditary breast and/or ovarian cancer syndrome; Breast and ovarian cancer; BRCA1- and BRCA2-Associated Hereditary Breast and Ovarian Cancer. Identifiers: Orphanet 145, MedGen C0677776, MeSH D061325, MONDO:0003582. Disease mechanism: loss of function.
Breast-ovarian cancer, familial, susceptibility to, 1 (BROVCA1). Also called: OVARIAN CANCER, SUSCEPTIBILITY TO; BRCA1 Hereditary Breast and Ovarian Cancer. Identifiers: Orphanet 145, MedGen C2676676, MONDO:0011450, OMIM 604370. Disease mechanism: loss of function.

Submissions (10):

Evidence-based Network for the Interpretation of Germline Mutant Alleles (ENIGMA)
Classification: Pathogenic for Breast-ovarian cancer, familial, susceptibility to, 1. Last evaluated: 2016-09-08. Review status: reviewed by expert panel. Criteria: ENIGMA BRCA1/2 Classification Criteria (2015). Collection method: curation. Allele origin: germline.
Comment: Variant allele predicted to encode a truncated non-functional protein.

Labcorp Genetics (formerly Invitae), Labcorp
Classification: Pathogenic for Hereditary breast ovarian cancer syndrome. Last evaluated: 2025-12-30. Review status: criteria provided, single submitter. Criteria: Invitae Variant Classification Sherloc (09022015). Collection method: clinical testing. Allele origin: germline. Not counted in ClinVar's aggregate classification.
Comment: This sequence change creates a premature translational stop signal (p.Ser1286Argfs*20) in the BRCA1 gene. It is expected to result in an absent or disrupted protein product. Loss-of-function variants in BRCA1 are known to be pathogenic (PMID: 20104584). This variant is present in population databases (rs80357889, gnomAD 0.006%). This premature translational stop signal has been observed in individual(s) with breast cancer/ovarian cancer (PMID: 10874312, 20859677, 26187060). This variant is also known as 3976-3979delGTGA and 3977del4. ClinVar contains an entry for this variant (Variation ID: 37553). For these reasons, this variant has been classified as Pathogenic.

Quest Diagnostics Nichols Institute San Juan Capistrano
Classification: Pathogenic. Last evaluated: 2025-09-19. Review status: criteria provided, single submitter. Criteria: Quest Diagnostics criteria. Collection method: clinical testing. Allele origin: unknown. Not counted in ClinVar's aggregate classification.
Comment: The BRCA1 c.3858_3861del (p.Ser1286Argfs*20) variant alters the translational reading frame of the BRCA1 mRNA and causes the premature termination of BRCA1 protein synthesis. This variant has been reported in the published literature in individuals with a personal and/or family history of breast and/or ovarian cancer (PMID: 34413315 (2021), 31825140 (2019), 25236687 (2015), 20859677 (2011), 18006916 (2007)). The frequency of this variant in the general population (Genome Aggregation Database) is consistent with pathogenicity. Based on the available information, this variant is classified as pathogenic.

Ambry Genetics
Classification: Pathogenic for Hereditary cancer-predisposing syndrome. Last evaluated: 2023-01-03. Review status: criteria provided, single submitter. Criteria: Ambry Variant Classification Scheme 2023. Collection method: clinical testing. Allele origin: germline. Not counted in ClinVar's aggregate classification.
Comment: The c.3858_3861delTGAG pathogenic mutation, located in coding exon 9 of the BRCA1 gene, results from a deletion of 4 nucleotides at nucleotide positions 3858 through 3861, causing a translational frameshift with a predicted alternate stop codon (p.S1286Rfs*20). This mutation has been identified in multiple high-risk breast/ovarian cancer families (Gonzalez-Hormazabal P et al, Breast Cancer Res. Treat. 2011 Apr; 126(3):705-16; Ang P et al, Cancer Epidemiol. Biomarkers Prev. 2007 Nov; 16(11):2276-84; Khoo US et al, Hum. Mutat. 2000 Jul; 16(1):88-9). Of note, this alteration is also designated as 3977del4 and 3976_3979delGTGA in published literature. In addition to the clinical data presented in the literature, this alteration is expected to result in loss of function by premature protein truncation or nonsense-mediated mRNA decay. As such, this alteration is interpreted as a disease-causing mutation.

Color Diagnostics, LLC DBA Color Health
Classification: Pathogenic for Hereditary cancer-predisposing syndrome. Last evaluated: 2020-01-15. Review status: criteria provided, single submitter. Criteria: ACMG Guidelines, 2015. Collection method: clinical testing. Allele origin: germline. Not counted in ClinVar's aggregate classification.
Comment: This variant deletes 4 nucleotides in exon 10 of the BRCA1 gene, creating a frameshift and premature translation stop signal. This variant is expected to result in an absent or non-functional protein product. This variant has been identified in 2/251128 chromosomes in the general population by the Genome Aggregation Database (gnomAD). Loss of BRCA1 function is a known mechanism of disease. Based on the available evidence, this variant is classified as Pathogenic.

Women's Health and Genetics/Laboratory Corporation of America, LabCorp
Classification: Pathogenic for Hereditary breast ovarian cancer syndrome. Last evaluated: 2017-03-07. Review status: criteria provided, single submitter. Criteria: LabCorp Variant Classification Summary - May 2015. Collection method: clinical testing. Allele origin: germline. Not counted in ClinVar's aggregate classification.
Comment: Variant summary: The BRCA1 c.3858_3861delTGAG (p.Ser1286Argfs) variant results in a premature termination codon, predicted to cause a truncated or absent BRCA1 protein due to nonsense mediated decay, which are commonly known mechanisms for disease. Truncations downstream of this position have been classified as pathogenic by our laboratory (e.g. c.3868A>T (p.Lys1290X), c.3869_3870delAA (p.Lys1290fs), and c.3893C>A (p.Ser1298X; c.3904G>T)). One in silico tool predicts a damaging outcome for this variant. This variant is absent in 121396 control chromosomes (ExAC). Multiple publications have cited the variant in affected individuals (BrC, OvC, HBOC). In addition, multiple clinical diagnostic laboratories/reputable databases classified this variant as pathogenic. Taken together, this variant is classified as pathogenic.

Consortium of Investigators of Modifiers of BRCA1/2 (CIMBA), c/o University of Cambridge
Classification: Pathogenic for Breast-ovarian cancer, familial, susceptibility to, 1. Last evaluated: 2015-10-02. Review status: criteria provided, single submitter. Criteria: CIMBA Mutation Classification guidelines May 2016. Collection method: clinical testing. Allele origin: germline. Not counted in ClinVar's aggregate classification.

Counsyl
Classification: Pathogenic for Breast-ovarian cancer, familial, susceptibility to, 1. Last evaluated: 2016-09-26. Review status: no assertion criteria provided. Collection method: clinical testing. Allele origin: unknown. Not counted in ClinVar's aggregate classification.

Sharing Clinical Reports Project (SCRP)
Classification: Pathogenic for Breast-ovarian cancer, familial 1. Last evaluated: 2007-03-02. Review status: no assertion criteria provided. Collection method: clinical testing. Allele origin: germline. Not counted in ClinVar's aggregate classification.

Breast Cancer Information Core (BIC) (BRCA1)
Classification: Pathogenic for Breast-ovarian cancer, familial 1. Last evaluated: 1997-11-14. Review status: no assertion criteria provided. Collection method: clinical testing. Allele origin: germline. Affected: yes. Observed: 1 variant allele. Not counted in ClinVar's aggregate classification.

Literature cited by the submitters: PubMed 20104584 (cited by Labcorp Genetics (formerly Invitae), Labcorp); PubMed 10874312 (cited by Labcorp Genetics (formerly Invitae), Labcorp and Ambry Genetics); PubMed 20859677 (cited by 5 submitters); PubMed 26187060 (cited by Labcorp Genetics (formerly Invitae), Labcorp and Counsyl); PubMed 31825140 (cited by Quest Diagnostics Nichols Institute San Juan Capistrano); PubMed 38201513 (cited by Quest Diagnostics Nichols Institute San Juan Capistrano); PubMed 34413315 (cited by Quest Diagnostics Nichols Institute San Juan Capistrano); PubMed 25236687 (cited by Quest Diagnostics Nichols Institute San Juan Capistrano); PubMed 18006916 (cited by 4 submitters); PubMed 22970155 (cited by Women's Health and Genetics/Laboratory Corporation of America, LabCorp); PubMed 9667259 (cited by Women's Health and Genetics/Laboratory Corporation of America, LabCorp).

NM_007294.4(BRCA1):c.3858_3861del (p.Ser1286fs)

Genes: BRCA1 (BRCA1 DNA repair associated; minus strand), LOC126862571 (BRD4-independent group 4 enhancer GRCh37_chr17:41243136-41244335; plus strand). Cytogenetic location: 17q21.31.
Variant type: Deletion.
Coding change: c.3858_3861del on transcript NM_007294.4 (MANE Select); coding-DNA positions 3858 to 3861, 4 bases deleted (TGAG; older notation c.3858_3861delTGAG).
Protein change: p.Ser1286fs; shifts the reading frame from serine 1286.
Molecular consequence: frameshift variant. On other transcripts: intron variant (135).
Genome position (GRCh38, 1-based): chr17:43,091,670-43,091,673, CTCA deleted on the plus strand (TGAG on the coding strand, the reverse complement: BRCA1 is on the minus strand); deleting any 4 consecutive bases within chr17:43,091,670-43,091,675 gives the same sequence; the c. name uses the placement nearest the transcript's 3' end. VCF-style (leftmost placement, unchanged base first): chr17-43091669-CCTCA-C. GRCh37 (hg19) VCF-style: chr17-41243686-CCTCA-C.
Other names: 3975del4; 3977del4; c.3858_3861delTGAG (NM_007294.3); c.3732_3735del, p.Ser1244fs (NM_001407940.1, NM_001407941.1, NM_001407649.1 and 11 more transcripts); c.3717_3720del, p.Ser1239fs (NM_001407942.1, NM_001407944.1, NM_001407945.1 and 29 more transcripts); c.3714_3717del, p.Ser1238fs (NM_001407943.1, NM_001407964.1, NM_001407740.1 and 20 more transcripts); c.3525_3528del, p.Ser1175fs (NM_001407946.1, NM_001407947.1, NM_001407948.1 and 6 more transcripts); c.3522_3525del, p.Ser1174fs (NM_001407954.1, NM_001407955.1, NM_001407956.1 and 1 more transcripts); and 44 more; short protein forms S1239fs, S1286fs, S1118fs, S1218fs, S1238fs, S1158fs, S1174fs, S1175fs.
Identifiers: ClinVar variation 37553 (VCV000037553.25), dbSNP rs80357842, ClinGen allele CA002486.